The following is an entry in ClinVar:

ClinVar aggregate classification (germline): Uncertain significance. Review status: criteria provided, multiple submitters, no conflicts (2 of 4 stars). 2 submissions from 2 submitters: Uncertain significance (2). Last evaluated 2021-12-07.

Conditions:
Inborn genetic diseases. Identifiers: MedGen C0950123, MeSH D030342.

Allele frequency attached by ClinVar (database versions not stated): gnomAD exomes 0.00001; ExAC 0.00001.

Submissions (2):

Labcorp Genetics (formerly Invitae), Labcorp
Classification: Uncertain significance. Last evaluated: 2021-12-07. Review status: criteria provided, single submitter. Criteria: Invitae Variant Classification Sherloc (09022015). Collection method: clinical testing. Allele origin: germline.
Comment: This sequence change replaces proline, which is neutral and non-polar, with threonine, which is neutral and polar, at codon 521 of the GPR179 protein (p.Pro521Thr). This variant is present in population databases (rs760409901, gnomAD 0.007%). This variant has not been reported in the literature in individuals affected with GPR179-related conditions. Algorithms developed to predict the effect of missense changes on protein structure and function are either unavailable or do not agree on the potential impact of this missense change (SIFT: "Deleterious"; PolyPhen-2: "Probably Damaging"; Align-GVGD: "Class C0"). In summary, the available evidence is currently insufficient to determine the role of this variant in disease. Therefore, it has been classified as a Variant of Uncertain Significance.

Ambry Genetics
Classification: Uncertain significance for Inborn genetic diseases. Last evaluated: 2021-08-12. Review status: criteria provided, single submitter. Criteria: Ambry Variant Classification Scheme 2023. Collection method: clinical testing. Allele origin: germline.

NM_001004334.4(GPR179):c.1561C>A (p.Pro521Thr)

Gene: GPR179 (G protein-coupled receptor 179; minus strand). Cytogenetic location: 17q12.
Variant type: single nucleotide variant.
Coding change: c.1561C>A on transcript NM_001004334.4 (MANE Select); coding-DNA position 1561, C replaced by A.
Protein change: p.Pro521Thr; replaces proline 521 with threonine.
Molecular consequence: missense variant.
Genome position (GRCh38, 1-based): chr17:38,335,117, G>T on the plus strand (C>A on the coding strand, the complement: GPR179 is on the minus strand). VCF-style: chr17-38335117-G-T. GRCh37 (hg19) VCF-style: chr17-36491000-G-T.
Other names: c.1561C>A (NM_001004334.2); short protein forms P521T.
Identifiers: ClinVar variation 1524484 (VCV001524484.4), dbSNP rs760409901, ClinGen allele CA290108645.